The following is an entry in ClinVar:

NM_206933.4(USH2A):c.3955C>A (p.Pro1319Thr)

Genes: USH2A (usherin; minus strand), USH2A-AS1 (USH2A antisense RNA 1; plus strand). Cytogenetic location: 1q41.
Variant type: single nucleotide variant.
Coding change: c.3955C>A on transcript NM_206933.4 (MANE Select); coding-DNA position 3955, C replaced by A.
Protein change: p.Pro1319Thr; replaces proline 1319 with threonine.
Molecular consequence: missense variant.
Genome position (GRCh38, 1-based): chr1:216,198,441, G>T on the plus strand (C>A on the coding strand, the complement: USH2A is on the minus strand). VCF-style: chr1-216198441-G-T. GRCh37 (hg19) VCF-style: chr1-216371783-G-T.
Other names: c.3955C>A, p.Pro1319Thr (NM_007123.6); short protein forms P1319T.
Identifiers: ClinVar variation 999378 (VCV000999378.8), dbSNP rs773133837, ClinGen allele CA1395863.

ClinVar aggregate classification (germline): Uncertain significance. Review status: criteria provided, multiple submitters, no conflicts (2 of 4 stars). 3 submissions from 3 submitters: Uncertain significance (2). 1 of the submissions does not count toward it. Last evaluated 2022-10-05.

Conditions:
Usher syndrome type 2A. Also called: RETINAL DISEASE IN USHER SYNDROME TYPE IIA, MODIFIER OF; USHER SYNDROME, TYPE IIA. Identifiers: Orphanet 231178, Orphanet 886, MedGen C1848634, MONDO:0010169, OMIM 276901.

Allele frequency attached by ClinVar (database versions not stated): gnomAD exomes below 0.00001; ExAC 0.00001; gnomAD 0.00001; TOPMed 0.00001.
gnomAD v4.1: 4 of 1,613,884 alleles (0.00025%); highest among the groups gnomAD compares: Non-Finnish European, 0.00034%; no homozygotes.

Submissions (3):

Labcorp Genetics (formerly Invitae), Labcorp
Classification: Uncertain significance. Last evaluated: 2022-10-05. Review status: criteria provided, single submitter. Criteria: Invitae Variant Classification Sherloc (09022015). Collection method: clinical testing. Allele origin: germline.
Comment: This sequence change replaces proline, which is neutral and non-polar, with threonine, which is neutral and polar, at codon 1319 of the USH2A protein (p.Pro1319Thr). This variant is present in population databases (rs773133837, gnomAD 0.0009%). This variant has not been reported in the literature in individuals affected with USH2A-related conditions. ClinVar contains an entry for this variant (Variation ID: 999378). Advanced modeling of protein sequence and biophysical properties (such as structural, functional, and spatial information, amino acid conservation, physicochemical variation, residue mobility, and thermodynamic stability) performed at Invitae indicates that this missense variant is not expected to disrupt USH2A protein function. In summary, the available evidence is currently insufficient to determine the role of this variant in disease. Therefore, it has been classified as a Variant of Uncertain Significance.

Blueprint Genetics
Classification: Uncertain significance. Last evaluated: 2017-08-31. Review status: criteria provided, single submitter. Criteria: ACMG Guidelines, 2015. Collection method: clinical testing. Allele origin: germline.

Natera, Inc.
Classification: Uncertain significance for Usher syndrome type 2A. Last evaluated: 2020-01-27. Review status: no assertion criteria provided. Collection method: clinical testing. Allele origin: germline. Not counted in ClinVar's aggregate classification.